The following is an entry in ClinVar:

ClinVar aggregate classification (germline): Uncertain significance. Review status: reviewed by expert panel (3 of 4 stars). 10 submissions from 10 submitters: Uncertain significance (1). 9 of the submissions do not count toward it. Last evaluated 2020-11-02.

Conditions:
CDH23-related disorder. Also called: CDH23-related condition; CDH23-related disorders.
Pituitary adenoma 5, multiple types. Identifiers: MedGen C4539685, MONDO:0054601, OMIM 617540.
Usher syndrome. Also called: Usher's syndrome; Usher Syndromes. Identifiers: Orphanet 886, MedGen CN469326, MeSH D052245, MONDO:0019501. Disease mechanism: loss of function.
Nonsyndromic genetic hearing loss. Also called: Nonsyndromic hearing loss and deafness; Nonsyndromic genetic deafness; Non-syndromic genetic deafness. Identifiers: Orphanet 87884, MedGen C5680182, MONDO:0019497.
Usher syndrome type 1 (USH1). Also called: RETINITIS PIGMENTOSA AND CONGENITAL DEAFNESS. Identifiers: Orphanet 231169, Orphanet 886, MedGen C1568247, MONDO:0010168, OMIM 276900.
Autosomal recessive nonsyndromic hearing loss 12. Also called: DEAFNESS, AUTOSOMAL RECESSIVE 12. Identifiers: Orphanet 90636, MedGen C1832394, MONDO:0011067, OMIM 601386.

Allele frequency attached by ClinVar (database versions not stated): gnomAD exomes 0.00001; ExAC 0.00002; TOPMed 0.00002.
gnomAD v4.1: 14 of 1,613,794 alleles (0.00087%); highest among the groups gnomAD compares: African/African-American, 0.0013%; no homozygotes.

Submissions (10):

ClinGen Hearing Loss Variant Curation Expert Panel
Classification: Uncertain significance for Nonsyndromic genetic hearing loss. Last evaluated: 2020-11-02. Review status: reviewed by expert panel. Criteria: ClinGen HL ACMG Specifications v1. Collection method: curation. Allele origin: germline. Inheritance: Autosomal recessive inheritance.
Comment: The allele frequency of the c.902G>A (p.Arg301Gln) variant in the CDH23 gene is 0.0046% (3/64572) of European (non-Finnish) chromosomes by gnomAD v3, which is a low enough frequency to apply PM2 based on the thresholds defined by the ClinGen Hearing Loss Expert Panel for autosomal recessive hearing loss. This variant was detected in 4 individuals with sensorineural hearing loss with the P240L variant in CDH23. For 2 of these probands the pathogenic P240L variant in CDH23 was present in trans; however, because all the families were of East Asian descent and this variant was always observed with the P240L variant, PM3 was kept at the moderate level (PM3, PMIDs: 17850630, 22443853, 22899989). Computational prediction tools and conservation analyses do not provide strong support for or against an impact to the protein (PP3 not met). In summary, the clinical significance of this variant is uncertain. ACMG/AMP criteria applied, as specified by the Hearing Loss Expert Panel: PM2, PM3.

GeneDx
Classification: Likely pathogenic. Last evaluated: 2026-03-03. Review status: criteria provided, single submitter. Criteria: GeneDx Variant Classification Process June 2021. Collection method: clinical testing. Allele origin: germline. Not counted in ClinVar's aggregate classification.
Comment: Not observed at significant frequency in large population cohorts (gnomAD); In silico analysis supports that this missense variant has a deleterious effect on protein structure/function; This variant is associated with the following publications: (PMID: 22899989, 22443853, 32860223, 35020051, 35076463, 17850630)

Natera, Inc.
Classification: Likely pathogenic for Usher syndrome type 1. Last evaluated: 2025-09-15. Review status: criteria provided, single submitter. Criteria: Natera Variant Classification Schema (03/2026). Collection method: clinical testing. Allele origin: germline. Not counted in ClinVar's aggregate classification.
Comment: The c.902G>A variant in CDH23 is a missense variant predicted to cause substitution of arginine to glutamine at amino acid 301. This variant is rare in the general population with a frequency below the threshold expected for the associated phenotype(s). This variant has been observed in one or more individuals affected with the associated recessive disease, as either homozygous or compound heterozygous with a second variant (PMID: 17850630, 22899989, 26969326, 39107234). Computational prediction algorithms indicate this variant is likely to affect gene or protein function. Given the available evidence, this variant is classified as Likely Pathogenic.

Labcorp Genetics (formerly Invitae), Labcorp
Classification: Pathogenic. Last evaluated: 2024-05-08. Review status: criteria provided, single submitter. Criteria: Invitae Variant Classification Sherloc (09022015). Collection method: clinical testing. Allele origin: germline. Not counted in ClinVar's aggregate classification.
Comment: This sequence change replaces arginine, which is basic and polar, with glutamine, which is neutral and polar, at codon 301 of the CDH23 protein (p.Arg301Gln). This variant is present in population databases (rs121908355, gnomAD 0.004%). This missense change has been observed in individual(s) with autosomal recessive deafness (PMID: 17850630, 32860223). In at least one individual the data is consistent with being in trans (on the opposite chromosome) from a pathogenic variant. It has also been observed to segregate with disease in related individuals. ClinVar contains an entry for this variant (Variation ID: 4929). Advanced modeling of protein sequence and biophysical properties (such as structural, functional, and spatial information, amino acid conservation, physicochemical variation, residue mobility, and thermodynamic stability) has been performed at Invitae for this missense variant, however the output from this modeling did not meet the statistical confidence thresholds required to predict the impact of this variant on CDH23 protein function. For these reasons, this variant has been classified as Pathogenic.

Baylor Genetics
Classification: Pathogenic for Pituitary adenoma 5, multiple types. Last evaluated: 2024-01-05. Review status: criteria provided, single submitter. Criteria: ACMG Guidelines, 2015. Collection method: clinical testing. Allele origin: unknown. Not counted in ClinVar's aggregate classification.

Women's Health and Genetics/Laboratory Corporation of America, LabCorp
Classification: Pathogenic for Usher syndrome. Last evaluated: 2023-11-07. Review status: criteria provided, single submitter. Criteria: LabCorp Variant Classification Summary - May 2015. Collection method: clinical testing. Allele origin: germline. Not counted in ClinVar's aggregate classification.
Comment: Variant summary: CDH23 c.902G>A (p.Arg301Gln) results in a conservative amino acid change located in one of the Cadherin-like domains (IPR002126) of the encoded protein sequence. Three of five in-silico tools predict a damaging effect of the variant on protein function. The variant allele was found at a frequency of 8e-06 in 249214 control chromosomes (gnomAD). The available data on variant occurrences in the general population are insufficient to allow any conclusion about variant significance. c.902G>A has been reported in the literature in multiple individuals affected with non-syndromic hearing loss (e.g., Wagatsuma_2007, Miyagawa_2012, Sloan-Heggen_2016, Safka-Brozkova_2020). These data indicate that the variant is very likely to be associated with disease. The following publications have been ascertained in the context of this evaluation (PMID: 22899989, 32860223, 26969326, 17850630). Five submitters have reported clinical-significance assessments for this variant to ClinVar after 2014. Multiple submitters reported the variant with conflicting assessments (pathogenic, n = 2; likely pathogenic, n = 1; VUS, n = 2). Based on the evidence outlined above, the variant was classified as pathogenic.

Blueprint Genetics
Classification: Pathogenic for CDH23-related disorders. Last evaluated: 2022-06-09. Review status: criteria provided, single submitter. Criteria: ACMG Guidelines, 2015. Collection method: clinical testing. Allele origin: germline. Affected: yes. Observed: 2 variant alleles. Not counted in ClinVar's aggregate classification.

CeGaT Center for Human Genetics Tuebingen
Classification: Pathogenic. Last evaluated: 2017-03-01. Review status: criteria provided, single submitter. Criteria: CeGaT Center For Human Genetics Tuebingen Variant Classification Criteria Version 2. Collection method: clinical testing. Allele origin: germline. Affected: yes. Observed: 1 variant allele. Not counted in ClinVar's aggregate classification.

Eurofins Ntd Llc (ga)
Classification: Uncertain significance. Last evaluated: 2016-07-08. Review status: criteria provided, single submitter. Criteria: EGL Classification Definitions 2015. Collection method: clinical testing. Allele origin: germline. Observed: 2 variant alleles, 2 heterozygotes. Not counted in ClinVar's aggregate classification.

OMIM
Classification: Pathogenic for DEAFNESS, AUTOSOMAL RECESSIVE 12. Last evaluated: 2007-10-01. Review status: no assertion criteria provided. Collection method: literature only. Allele origin: germline. Not counted in ClinVar's aggregate classification.

Literature cited by the submitters: PubMed 17850630 (cited by 6 submitters); PubMed 22899989 (cited by 4 submitters); PubMed 26969326 (cited by Natera, Inc. and Women's Health and Genetics/Laboratory Corporation of America, LabCorp); PubMed 39107234 (cited by Natera, Inc.); PubMed 32860223 (cited by Labcorp Genetics (formerly Invitae), Labcorp and Women's Health and Genetics/Laboratory Corporation of America, LabCorp).

NM_022124.6(CDH23):c.902G>A (p.Arg301Gln)

Gene: CDH23 (cadherin related 23; plus strand). Cytogenetic location: 10q22.1.
Variant type: single nucleotide variant.
Coding change: c.902G>A on transcript NM_022124.6 (MANE Select); coding-DNA position 902, G replaced by A.
Protein change: p.Arg301Gln; replaces arginine 301 with glutamine.
Molecular consequence: missense variant.
Genome position (GRCh38, 1-based): chr10:71,615,573, G>A. VCF-style: chr10-71615573-G-A. GRCh37 (hg19) VCF-style: chr10-73375330-G-A.
Other names: NM_022124.6(CDH23):c.902G>A; p.Arg301Gln; c.902G>A, p.Arg301Gln (NM_001171930.2, NM_001171931.2, NM_001171932.2 and 1 more transcripts); c.902G>A (NM_022124.5); short protein forms R301Q.
Identifiers: ClinVar variation 4929 (VCV000004929.61), dbSNP rs121908355, ClinGen allele CA239352.